The following is an entry in ClinVar:

ClinVar aggregate classification (germline): Likely benign (0 of 4 stars; one submission).

Conditions:
SLC39A5-related disorder. Also called: SLC39A5-related condition.

Allele frequency attached by ClinVar (database versions not stated): gnomAD 0.00007; ExAC 0.00012; TOPMed 0.00011.

Submission:

PreventionGenetics, part of Exact Sciences
Classification: Likely benign for SLC39A5-related condition. Last evaluated: 2019-05-28. Review status: no assertion criteria provided. Collection method: clinical testing. Allele origin: germline.
Comment: This variant is classified as likely benign based on ACMG/AMP sequence variant interpretation guidelines (Richards et al. 2015 PMID: 25741868, with internal and published modifications).

NM_173596.3(SLC39A5):c.597C>T (p.Gly199=)

Gene: SLC39A5 (solute carrier family 39 member 5; plus strand). Cytogenetic location: 12q13.3.
Variant type: single nucleotide variant.
Coding change: c.597C>T on transcript NM_173596.3 (MANE Select); coding-DNA position 597, C replaced by T.
Protein change: p.Gly199=; no amino-acid change (glycine 199 retained).
Molecular consequence: synonymous variant.
Genome position (GRCh38, 1-based): chr12:56,234,949, C>T. VCF-style: chr12-56234949-C-T. GRCh37 (hg19) VCF-style: chr12-56628733-C-T.
Other names: c.597C>T, p.Gly199= (NM_001135195.2).
Identifiers: ClinVar variation 3043985 (VCV003043985.2), dbSNP rs759059162, ClinGen allele CA6627113.